The following is an entry in ClinVar:

NM_004260.4(RECQL4):c.923C>G (p.Pro308Arg)

Gene: RECQL4 (RecQ like helicase 4; minus strand). Cytogenetic location: 8q24.3.
Variant type: single nucleotide variant.
Coding change: c.923C>G on transcript NM_004260.4 (MANE Select); coding-DNA position 923, C replaced by G.
Protein change: p.Pro308Arg; replaces proline 308 with arginine.
Molecular consequence: missense variant.
Genome position (GRCh38, 1-based): chr8:144,516,196, G>C on the plus strand (C>G on the coding strand, the complement: RECQL4 is on the minus strand). VCF-style: chr8-144516196-G-C. GRCh37 (hg19) VCF-style: chr8-145741580-G-C.
Other names: c.923C>G (NM_004260.3); c.923C>G, p.Pro308Arg (NM_001413017.1, NM_001413018.1, NM_001413019.1 and 4 more transcripts); c.-149C>G (NM_001413021.1, NM_001413022.1, NM_001413023.1 and 7 more transcripts); c.794C>G, p.Pro265Arg (NM_001413025.1); c.-211C>G (NM_001413027.1, NM_001413030.1, NM_001413031.1 and 2 more transcripts); c.572C>G, p.Pro191Arg (NM_001413029.1); c.-53C>G (NM_001413034.1); c.-418C>G (NM_001413043.1); short protein forms P191R, P265R, P308R.
Identifiers: ClinVar variation 1989505 (VCV001989505.5), dbSNP rs372417964, ClinGen allele CA372688652.

ClinVar aggregate classification (germline): Uncertain significance. Review status: criteria provided, multiple submitters, no conflicts (2 of 4 stars). 2 submissions from 2 submitters: Uncertain significance (2). Last evaluated 2025-10-03.

Conditions:
Inborn genetic diseases. Identifiers: MedGen C0950123, MeSH D030342.
Baller-Gerold syndrome (BGS). Also called: CRANIOSYNOSTOSIS WITH RADIAL DEFECTS. Identifiers: Orphanet 1225, MedGen C0265308, MONDO:0009039, OMIM 218600.

Submissions (2):

Ambry Genetics
Classification: Uncertain significance for Inborn genetic diseases. Last evaluated: 2025-10-03. Review status: criteria provided, single submitter. Criteria: Ambry Variant Classification Scheme 2023. Collection method: clinical testing. Allele origin: germline.
Comment: The p.P308R variant (also known as c.923C>G), located in coding exon 5 of the RECQL4 gene, results from a C to G substitution at nucleotide position 923. The proline at codon 308 is replaced by arginine, an amino acid with dissimilar properties. This amino acid position is conserved. In addition, this alteration is predicted to be tolerated by in silico analysis. Based on the available evidence, the clinical significance of this variant remains unclear.

Labcorp Genetics (formerly Invitae), Labcorp
Classification: Uncertain significance for Baller-Gerold syndrome. Last evaluated: 2023-09-24. Review status: criteria provided, single submitter. Criteria: Invitae Variant Classification Sherloc (09022015). Collection method: clinical testing. Allele origin: germline.
Comment: This sequence change replaces proline, which is neutral and non-polar, with arginine, which is basic and polar, at codon 308 of the RECQL4 protein (p.Pro308Arg). This variant is not present in population databases (gnomAD no frequency). This variant has not been reported in the literature in individuals affected with RECQL4-related conditions. ClinVar contains an entry for this variant (Variation ID: 1989505). Advanced modeling of protein sequence and biophysical properties (such as structural, functional, and spatial information, amino acid conservation, physicochemical variation, residue mobility, and thermodynamic stability) performed at Invitae indicates that this missense variant is not expected to disrupt RECQL4 protein function. In summary, the available evidence is currently insufficient to determine the role of this variant in disease. Therefore, it has been classified as a Variant of Uncertain Significance.